The following is an entry in ClinVar:

NC_000009.11:g.(?_317023)_(418227_?)dup

Gene: DOCK8 (dedicator of cytokinesis 8; plus strand). Cytogenetic location: 9p24.3.
Variant type: Duplication.
Identifiers: ClinVar variation 2427720 (VCV002427720.8).

ClinVar aggregate classification (germline): Uncertain significance (1 of 4 stars; one submission).

Conditions:
Hyper-IgE recurrent infection syndrome 3, autosomal recessive. Also called: Autosomal recessive hyper-IgE syndrome due to ZNF341 deficiency; HYPER-IgE SYNDROME 3, AUTOSOMAL RECESSIVE, WITH RECURRENT INFECTIONS. Identifiers: Orphanet 641368, MedGen C4748969, MONDO:0032654, OMIM 618282.

Submission:

Labcorp Genetics (formerly Invitae), Labcorp
Classification: Uncertain significance for Combined immunodeficiency due to DOCK8 deficiency. Last evaluated: 2022-11-22. Review status: criteria provided, single submitter. Criteria: Invitae Variant Classification Sherloc (09022015). Collection method: clinical testing. Allele origin: germline.
Comment: In summary, the available evidence is currently insufficient to determine the role of this variant in disease. Therefore, it has been classified as a Variant of Uncertain Significance. Experimental studies and prediction algorithms are not available or were not evaluated, and the functional significance of this variant is currently unknown. This variant has not been reported in the literature in individuals affected with DOCK8-related conditions. This variant results in a copy number gain of the genomic region encompassing exon(s) 7-30 of the DOCK8 gene. While the exact position of this variant cannot be determined from the data, sub-genic copy number gains are generally in tandem (PMID: 25640679). This variant is predicted to be in-frame, and likely preserves the integrity of the reading frame.

Literature cited by the submitters: PubMed 25640679.